The following is an entry in ClinVar:

ClinVar aggregate classification (germline): Uncertain significance. Review status: criteria provided, multiple submitters, no conflicts (2 of 4 stars). 2 submissions from 2 submitters: Uncertain significance (2). Last evaluated 2024-01-25.

Conditions:
Duchenne muscular dystrophy (DMD). Also called: MUSCULAR DYSTROPHY, PSEUDOHYPERTROPHIC PROGRESSIVE, DUCHENNE TYPE; Duchenne Muscular Dystrophy (DMD). Identifiers: Orphanet 98896, MedGen C0013264, MONDO:0010679, OMIM 310200.

Allele frequency attached by ClinVar (database versions not stated): TOPMed below 0.00001.
gnomAD v4.1: 2 of 1,210,422 alleles (0.00017%); highest among the groups gnomAD compares: Non-Finnish European, 0.00022%; no homozygotes.

Submissions (2):

Labcorp Genetics (formerly Invitae), Labcorp
Classification: Uncertain significance for Duchenne muscular dystrophy. Last evaluated: 2024-01-25. Review status: criteria provided, single submitter. Criteria: Invitae Variant Classification Sherloc (09022015). Collection method: clinical testing. Allele origin: germline.
Comment: This sequence change replaces glutamic acid, which is acidic and polar, with aspartic acid, which is acidic and polar, at codon 3062 of the DMD protein (p.Glu3062Asp). This variant is not present in population databases (gnomAD no frequency). This variant has not been reported in the literature in individuals affected with DMD-related conditions. ClinVar contains an entry for this variant (Variation ID: 2139804). Advanced modeling of protein sequence and biophysical properties (such as structural, functional, and spatial information, amino acid conservation, physicochemical variation, residue mobility, and thermodynamic stability) performed at Invitae indicates that this missense variant is not expected to disrupt DMD protein function with a negative predictive value of 95%. In summary, the available evidence is currently insufficient to determine the role of this variant in disease. Therefore, it has been classified as a Variant of Uncertain Significance.

Blueprint Genetics
Classification: Uncertain significance. Last evaluated: 2022-04-21. Review status: criteria provided, single submitter. Criteria: ACMG Guidelines, 2015. Collection method: clinical testing. Allele origin: germline.

NM_004006.3(DMD):c.9186G>T (p.Glu3062Asp)

Gene: DMD (dystrophin; minus strand). Cytogenetic location: Xp21.2.
Variant type: single nucleotide variant.
Coding change: c.9186G>T on transcript NM_004006.3 (MANE Select); coding-DNA position 9186, G replaced by T.
Protein change: p.Glu3062Asp; replaces glutamic acid 3062 with aspartic acid.
Molecular consequence: missense variant.
Genome position (GRCh38, 1-based): chrX:31,323,636, C>A on the plus strand (G>T on the coding strand, the complement: DMD is on the minus strand). VCF-style: chrX-31323636-C-A. GRCh37 (hg19) VCF-style: chrX-31341753-C-A.
Other names: c.9162G>T, p.Glu3054Asp (NM_000109.4); c.9174G>T, p.Glu3058Asp (NM_004009.3); c.8817G>T, p.Glu2939Asp (NM_004010.3); c.5163G>T, p.Glu1721Asp (NM_004011.4); c.5154G>T, p.Glu1718Asp (NM_004012.4); c.1806G>T, p.Glu602Asp (NM_004013.3, NM_004020.4, NM_004021.3 and 2 more transcripts); c.999G>T, p.Glu333Asp (NM_004014.3); short protein forms E1721D, E3058D, E3062D, E1718D, E2939D, E602D, E3054D, E333D.
Identifiers: ClinVar variation 2139804 (VCV002139804.5), dbSNP rs773387216, ClinGen allele CA412651691.